The following is an entry in ClinVar:

ClinVar aggregate classification (germline): Uncertain significance (1 of 4 stars; one submission).

Conditions:
Epidermolysis bullosa simplex 3, localized or generalized intermediate, with BP230 deficiency (EBS3). Also called: Epidermolysis bullosa simplex, autosomal recessive 2; Epidermolysis bullosa simplex due to BP230 deficiency. Identifiers: Orphanet 412181, MedGen C3809470, MONDO:0014180, OMIM 615425.
Hereditary sensory and autonomic neuropathy type 6. Also called: HSAN VI; Neuropathy, hereditary sensory and autonomic, type VI. Identifiers: Orphanet 314381, MedGen C3539003, MONDO:0013839, OMIM 614653.

Allele frequency attached by ClinVar (database versions not stated): gnomAD 0.00001; gnomAD exomes 0.00001; TOPMed 0.00002.
gnomAD v4.1: 67 of 1,613,876 alleles (0.0042%); highest among the groups gnomAD compares: East Asian, 0.15%; 1 homozygote.

Submission:

Labcorp Genetics (formerly Invitae), Labcorp
Classification: Uncertain significance for Epidermolysis bullosa simplex 3, localized or generalized intermediate, with BP230 deficiency; Hereditary sensory and autonomic neuropathy type 6. Last evaluated: 2022-04-15. Review status: criteria provided, single submitter. Criteria: Invitae Variant Classification Sherloc (09022015). Collection method: clinical testing. Allele origin: germline.
Comment: This sequence change replaces histidine, which is basic and polar, with aspartic acid, which is acidic and polar, at codon 515 of the DST protein (p.His515Asp). This variant is present in population databases (rs767323555, gnomAD 0.01%). This variant has not been reported in the literature in individuals affected with DST-related conditions. ClinVar contains an entry for this variant (Variation ID: 357609). Algorithms developed to predict the effect of missense changes on protein structure and function (SIFT, PolyPhen-2, Align-GVGD) all suggest that this variant is likely to be disruptive. In summary, the available evidence is currently insufficient to determine the role of this variant in disease. Therefore, it has been classified as a Variant of Uncertain Significance.

NM_001374736.1(DST):c.3154C>G (p.His1052Asp)

Gene: DST (dystonin; minus strand). Cytogenetic location: 6p12.1.
Variant type: single nucleotide variant.
Coding change: c.3154C>G on transcript NM_001374736.1 (MANE Select); coding-DNA position 3154, C replaced by G.
Protein change: p.His1052Asp; replaces histidine 1052 with aspartic acid.
Molecular consequence: missense variant.
Genome position (GRCh38, 1-based): chr6:56,635,621, G>C on the plus strand (C>G on the coding strand, the complement: DST is on the minus strand). VCF-style: chr6-56635621-G-C. GRCh37 (hg19) VCF-style: chr6-56500419-G-C.
Other names: c.3055C>G, p.His1019Asp (NM_001144769.5); c.2641C>G, p.His881Asp (NM_001144770.2); c.3154C>G, p.His1052Asp (NM_001374722.1); c.2521C>G, p.His841Asp (NM_001374729.1, NM_001374730.1, NM_001386100.1 and 1 more transcripts); c.3181C>G, p.His1061Asp (NM_001374734.1); c.1543C>G, p.His515Asp (NM_001723.7, NM_015548.5); short protein forms H515D, H1019D, H841D, H881D, H1052D, H1061D.
Identifiers: ClinVar variation 357609 (VCV000357609.6), dbSNP rs767323555, ClinGen allele CA3871227.